The following is an entry in ClinVar:

NM_001040108.2(MLH3):c.3842A>G (p.Asn1281Ser)

Gene: MLH3 (mutL homolog 3; minus strand). Cytogenetic location: 14q24.3.
Variant type: single nucleotide variant.
Coding change: c.3842A>G on transcript NM_001040108.2 (MANE Select); coding-DNA position 3842, A replaced by G.
Protein change: p.Asn1281Ser; replaces asparagine 1281 with serine.
Molecular consequence: missense variant.
Genome position (GRCh38, 1-based): chr14:75,030,688, T>C on the plus strand (A>G on the coding strand, the complement: MLH3 is on the minus strand). VCF-style: chr14-75030688-T-C. GRCh37 (hg19) VCF-style: chr14-75497391-T-C.
Other names: c.3770A>G, p.Asn1257Ser (NM_014381.3); short protein forms N1257S, N1281S.
Identifiers: ClinVar variation 855802 (VCV000855802.14), dbSNP rs1890990437, ClinGen allele CA390423327.
Genomic context (GRCh38, chr14:75,030,688, plus strand): 5'-ACAAGGACCAGAGAATCACTAGTGTCTGGAAATACAAATTCAAGGCCCAGATCTTCCAGA[T>C]TTTTGTGGTAACACCTAAAGAGATAACCTCAAATGTTAAAAAAAAAAAGAGTGCTACTTC-3'
Protein context (NP_001035197.1, residues 1271-1291): QRRLLWCYHK[Asn1281Ser]LEDLGLEFVF

ClinVar aggregate classification (germline): Conflicting classifications of pathogenicity. Review status: criteria provided, conflicting classifications (1 of 4 stars). 2 submissions from 2 submitters: Uncertain significance (1); Likely benign (1). Last evaluated 2026-07-21.

Conditions:
Colorectal cancer, hereditary nonpolyposis, type 7. Identifiers: Orphanet 144, MedGen C1858380, MONDO:0013725, OMIM 614385.

Allele frequency attached by ClinVar (database versions not stated): gnomAD 0.00001.
gnomAD v4.1: 1 of 1,613,842 alleles (0.000062%); highest among the groups gnomAD compares: East Asian, 0.0022%; no homozygotes.

Submissions (2):

Ambry Genetics
Classification: Likely benign. Last evaluated: 2026-07-21. Review status: criteria provided, single submitter. Criteria: Ambry Variant Classification Scheme 2023. Collection method: clinical testing. Allele origin: germline.

Labcorp Genetics (formerly Invitae), Labcorp
Classification: Uncertain significance for Colorectal cancer, hereditary nonpolyposis, type 7. Last evaluated: 2024-04-15. Review status: criteria provided, single submitter. Criteria: Invitae Variant Classification Sherloc (09022015). Collection method: clinical testing. Allele origin: germline.
Comment: This sequence change replaces asparagine, which is neutral and polar, with serine, which is neutral and polar, at codon 1281 of the MLH3 protein (p.Asn1281Ser). This variant is not present in population databases (gnomAD no frequency). This variant has not been reported in the literature in individuals affected with MLH3-related conditions. ClinVar contains an entry for this variant (Variation ID: 855802). Algorithms developed to predict the effect of missense changes on protein structure and function output the following: SIFT: "Not Available"; PolyPhen-2: "Benign"; Align-GVGD: "Not Available". The serine amino acid residue is found in multiple mammalian species, which suggests that this missense change does not adversely affect protein function. In summary, the available evidence is currently insufficient to determine the role of this variant in disease. Therefore, it has been classified as a Variant of Uncertain Significance.